The following is an entry in ClinVar:

ClinVar aggregate classification (germline): Uncertain significance (1 of 4 stars; one submission).

Conditions:
Ullrich congenital muscular dystrophy 2 (UCMD2). Identifiers: Orphanet 75840, MedGen C4225314, MONDO:0014654, OMIM 616470.
Bethlem myopathy 2 (BTHLM2). Identifiers: Orphanet 536516, Orphanet 610, MedGen C4225313, MONDO:0034022, OMIM 616471.

Submission:

Labcorp Genetics (formerly Invitae), Labcorp
Classification: Uncertain significance for Bethlem myopathy 2; Ullrich congenital muscular dystrophy 2. Last evaluated: 2019-10-03. Review status: criteria provided, single submitter. Criteria: Invitae Variant Classification Sherloc (09022015). Collection method: clinical testing. Allele origin: germline.
Comment: Nucleotide substitutions within the consensus splice site are a relatively common cause of aberrant splicing (PMID: 17576681, 9536098). Algorithms developed to predict the effect of sequence changes on RNA splicing suggest that this variant may disrupt the consensus splice site, but this prediction has not been confirmed by published transcriptional studies. This variant has not been reported in the literature in individuals with COL12A1-related conditions. This variant is not present in population databases (ExAC no frequency). This sequence change falls in intron 4 of the COL12A1 gene. It does not directly change the encoded amino acid sequence of the COL12A1 protein, but it affects a nucleotide within the consensus splice site of the intron. In summary, the available evidence is currently insufficient to determine the role of this variant in disease. Therefore, it has been classified as a Variant of Uncertain Significance.

Literature cited by the submitters: PubMed 17576681; PubMed 9536098.

NM_004370.6(COL12A1):c.334+4A>T

Gene: COL12A1 (collagen type XII alpha 1 chain; minus strand). Cytogenetic location: 6q13.
Variant type: single nucleotide variant.
Coding change: c.334+4A>T on transcript NM_004370.6 (MANE Select); 4 bases into the intron after coding-DNA position 334, A replaced by T.
Molecular consequence: intron variant.
Genome position (GRCh38, 1-based): chr6:75,192,208, T>A on the plus strand (A>T on the coding strand, the complement: COL12A1 is on the minus strand). VCF-style: chr6-75192208-T-A. GRCh37 (hg19) VCF-style: chr6-75901924-T-A.
Other names: c.73+10512A>T (NM_080645.3).
Identifiers: ClinVar variation 954729 (VCV000954729.8), dbSNP rs1769967046, ClinGen allele CA1139659705.